The following is an entry in ClinVar:

ClinVar aggregate classification (germline): Conflicting classifications of pathogenicity. Review status: criteria provided, conflicting classifications (1 of 4 stars). 3 submissions from 3 submitters: Uncertain significance (1); Likely benign (2). Last evaluated 2026-01-09.

Conditions:
Pontoneocerebellar hypoplasia. Also called: Non-syndromic pontocerebellar hypoplasia; Pontocerebellar hypoplasia. Identifiers: Orphanet 98523, MedGen C1261175, MONDO:0020135.

Allele frequency attached by ClinVar (database versions not stated): ExAC 0.00001; gnomAD 0.00002 and 0.00003; gnomAD exomes 0.00002; TOPMed 0.00002.
gnomAD v4.1: 60 of 1,613,070 alleles (0.0037%); highest among the groups gnomAD compares: Non-Finnish European, 0.0048%; no homozygotes.

Submissions (3):

Labcorp Genetics (formerly Invitae), Labcorp
Classification: Likely benign. Last evaluated: 2026-01-09. Review status: criteria provided, single submitter. Criteria: Invitae Variant Classification Sherloc (09022015). Collection method: clinical testing. Allele origin: germline.

GeneDx
Classification: Likely benign. Last evaluated: 2018-01-25. Review status: criteria provided, single submitter. Criteria: GeneDx Variant Classification (06012015). Collection method: clinical testing. Allele origin: germline. Affected: yes.
Comment: This variant is considered likely benign or benign based on one or more of the following criteria: it is a conservative change, it occurs at a poorly conserved position in the protein, it is predicted to be benign by multiple in silico algorithms, and/or has population frequency not consistent with disease.

Illumina Laboratory Services, Illumina
Classification: Uncertain significance for Pontoneocerebellar hypoplasia. Last evaluated: 2018-01-13. Review status: criteria provided, single submitter. Criteria: ICSL Variant Classification Criteria 13 December 2019. Collection method: clinical testing. Allele origin: germline.

NM_025265.4(TSEN2):c.961-14G>A

Gene: TSEN2 (tRNA splicing endonuclease subunit 2; plus strand). Cytogenetic location: 3p25.2.
Variant type: single nucleotide variant.
Coding change: c.961-14G>A on transcript NM_025265.4 (MANE Select); 14 bases into the intron before coding-DNA position 961, G replaced by A.
Molecular consequence: intron variant.
Genome position (GRCh38, 1-based): chr3:12,519,045, G>A. VCF-style: chr3-12519045-G-A. GRCh37 (hg19) VCF-style: chr3-12560544-G-A.
Other names: c.961-14G>A (NM_001321278.2, NM_001145392.2, NM_001321277.2); c.883-14G>A (NM_001321279.2, NM_001145393.3); c.784-14G>A (NM_001145394.2).
Identifiers: ClinVar variation 343078 (VCV000343078.6), dbSNP rs748777382, ClinGen allele CA2258677.
Genomic context (GRCh38, chr3:12,519,045, plus strand): 5'-TGTTGGTGCCCTGGCTGAACGGAGAGTGAATGCATACATAGTAATGCTTTTTGTTTTTTT[G>A]TAAATAACTTTAGGAGCCTTTAACGATAGTGAAGCTCTGGAAAGCTTTCACTGTAGTTCA-3'